The following is an entry in ClinVar:

NM_001999.4(FBN2):c.3401C>T (p.Thr1134Ile)

Gene: FBN2 (fibrillin 2; minus strand). Cytogenetic location: 5q23.3.
Variant type: single nucleotide variant.
Coding change: c.3401C>T on transcript NM_001999.4 (MANE Select); coding-DNA position 3401, C replaced by T.
Protein change: p.Thr1134Ile; replaces threonine 1134 with isoleucine.
Molecular consequence: missense variant.
Genome position (GRCh38, 1-based): chr5:128,339,004, G>A on the plus strand (C>T on the coding strand, the complement: FBN2 is on the minus strand). VCF-style: chr5-128339004-G-A. GRCh37 (hg19) VCF-style: chr5-127674696-G-A.
Other names: short protein forms T1134I.
Identifiers: ClinVar variation 213397 (VCV000213397.7), dbSNP rs863223602, ClinGen allele CA319945.
Genomic context (GRCh38, chr5:128,339,004, plus strand): 5'-TTCATCATCATGAAGCCACTTTCATAGCCTTCGAAGCACTCGCACTCAAAGCTGCCCGGT[G>A]TATTGACGCAGATTCCACTGCCACAGAGGTCAGGAGAAATCCTGCACTCGTCGATGTCTA-3'
Protein context (NP_001990.2, residues 1124-1144): DLCGSGICVN[Thr1134Ile]PGSFECECFE

ClinVar aggregate classification (germline): Conflicting classifications of pathogenicity. Review status: criteria provided, conflicting classifications (1 of 4 stars). 2 submissions from 2 submitters: Uncertain significance (1); Likely benign (1). Last evaluated 2025-02-03.

Conditions:
Congenital contractural arachnodactyly (CCA). Also called: Beals-Hecht syndrome; BEALS SYNDROME; Arthrogryposis, distal, type 9. Identifiers: Orphanet 115, MedGen C0220668, MONDO:0007363, OMIM 121050.

Allele frequency attached by ClinVar (database versions not stated): gnomAD exomes below 0.00001; TOPMed below 0.00001; gnomAD 0.00001.
gnomAD v4.1: 7 of 1,613,826 alleles (0.00043%); highest among the groups gnomAD compares: Non-Finnish European, 0.00051%; no homozygotes.

Submissions (2):

Labcorp Genetics (formerly Invitae), Labcorp
Classification: Likely benign for Congenital contractural arachnodactyly. Last evaluated: 2025-02-03. Review status: criteria provided, single submitter. Criteria: Invitae Variant Classification Sherloc (09022015). Collection method: clinical testing. Allele origin: germline.

GeneDx
Classification: Uncertain significance. Last evaluated: 2014-11-18. Review status: criteria provided, single submitter. Criteria: GeneDx Variant Classification (06012015). Collection method: clinical testing. Allele origin: germline. Affected: yes.
Comment: p.Thr1134Ile (ACA>ATA): c.3401 C>T in exon 26 of the FBN2 gene (NM_001999.3) The T1134I variant has not been published as a mutation or as a benign polymorphism to our knowledge. The T1134I variant was not observed in approximately 6,500 individuals of European and African American ancestry in the NHLBI Exome Sequencing Project, indicating it is not a common benign variant in these populations. In addition, the T1134I variant is a non-conservative amino acid substitution, which is likely to impact secondary protein structure as these residues differ in polarity, charge, size and/or other properties. This substitution occurs at a position that is conserved across species. Moreover, in silico analysis predicts this variant is probably damaging to the protein structure/function. Furthermore, missense mutations in a nearby residue (C1142F, C1142Y, C1142R) have been reported in association with congenital arachnodactyly, supporting the functional importance of this region of the protein. Therefore, based on the currently available information, it is unclear whether this variant is a pathogenic mutation or a rare benign variant. This variant was found in TAADV2-1